The following is an entry in ClinVar:

ClinVar aggregate classification (germline): Pathogenic/Likely pathogenic. Review status: criteria provided, multiple submitters, no conflicts (2 of 4 stars). 2 submissions from 2 submitters: Pathogenic (1); Likely pathogenic (1). Last evaluated 2025-09-11.

Conditions:
Cardiovascular phenotype. Identifiers: MedGen CN230736.
Autosomal recessive limb-girdle muscular dystrophy type 2J (LGMDR10). Also called: Limb-girdle muscular dystrophy, type 2J; MUSCULAR DYSTROPHY, LIMB-GIRDLE, AUTOSOMAL RECESSIVE 10. Identifiers: Orphanet 140922, MedGen C1837342, MONDO:0012127, OMIM 608807.
Dilated cardiomyopathy 1G (CMD1G). Identifiers: Orphanet 154, MedGen C1858763, MONDO:0011400, OMIM 604145.

Submissions (2):

Ambry Genetics
Classification: Likely pathogenic for Cardiovascular phenotype. Last evaluated: 2025-09-11. Review status: criteria provided, single submitter. Criteria: Ambry Variant Classification Scheme 2023. Collection method: clinical testing. Allele origin: germline.
Comment: The c.69038_69041delACGAinsCCT variant, located in coding exon 173 of the TTN gene, results from the deletion of 4 nucleotides and insertion of 3 nucleotides causing a translational frameshift with a predicted alternate stop codon (p.Y23013Sfs*35). This exon is located in the A-band region of the N2-B isoform of the titin protein and is constitutively expressed in TTN transcripts (percent spliced in or PSI 100%). This variant was reported in individual(s) with features consistent with dilated cardiomyopathy (Ambry internal data). This variant is considered to be rare based on population cohorts in the Genome Aggregation Database (gnomAD). This variant is expected to result in loss of function by premature protein truncation or nonsense-mediated mRNA decay. While truncating variants in TTN are present in 1-3% of the general population, truncating variants in the A-band are the most common cause of dilated cardiomyopathy (Herman DS et al. N. Engl. J. Med., 2012 Feb;366:619-28; Roberts AM et al. Sci Transl Med, 2015 Jan;7:270ra6). TTN truncating variants encoded in constitutive exons (PSI >90%) have been found to be significantly associated with DCM regardless of their position in titin (Schafer S et al. Nat. Genet., 2017 01;49:46-53; Akhtar MM et al. Circ Heart Fail, 2020 Oct;13:e006832; Massier M et al. Clin Genet, 2025 Jan). Based on the majority of available evidence to date, this variant is likely to be pathogenic.

Labcorp Genetics (formerly Invitae), Labcorp
Classification: Pathogenic for Dilated cardiomyopathy 1G; Autosomal recessive limb-girdle muscular dystrophy type 2J. Last evaluated: 2025-08-09. Review status: criteria provided, single submitter. Criteria: Invitae Variant Classification Sherloc (09022015). Collection method: clinical testing. Allele origin: germline.
Comment: This sequence change creates a premature translational stop signal (p.Tyr32078Serfs*35) in the TTN gene. While this is not anticipated to result in nonsense mediated decay, it is expected to create a truncated TTN protein. Information on the frequency of this variant in the gnomAD database is not available, as this variant may be reported differently in the database. This premature translational stop signal has been observed in individuals with dilated cardiomyopathy (internal data). This variant is located in the A band of TTN (PMID: 25589632). Truncating variants in this region are significantly overrepresented in patients affected with dilated cardiomyopathy (PMID: 25589632). Truncating variants in this region have also been reported in individuals affected with autosomal recessive centronuclear myopathy (PMID: 23975875). For these reasons, this variant has been classified as Pathogenic.

Literature cited by the submitters: PubMed 25589632 (cited by Labcorp Genetics (formerly Invitae), Labcorp); PubMed 23975875 (cited by Labcorp Genetics (formerly Invitae), Labcorp).

NM_001267550.2(TTN):c.96233_96236delinsCCT (p.Tyr32078fs)

Genes: TTN-AS1 (TTN antisense RNA 1; plus strand), TTN (titin; minus strand), LOC126806421 (CDK7 strongly-dependent group 2 enhancer GRCh37_chr2:179407630-179408829; plus strand). Cytogenetic location: 2q31.2.
Variant type: Indel.
Coding change: c.96233_96236delinsCCT on transcript NM_001267550.2 (MANE Select); coding-DNA positions 96233 to 96236, ACGA replaced by CCT.
Protein change: p.Tyr32078fs; shifts the reading frame from tyrosine 32078.
Molecular consequence: frameshift variant.
Genome position (GRCh38, 1-based): chr2:178,543,908-178,543,911, TCGT replaced by AGG on the plus strand (ACGA replaced by CCT on the coding strand, the reverse complement: TTN is on the minus strand). VCF-style: chr2-178543908-TCGT-AGG. GRCh37 (hg19) VCF-style: chr2-179408635-TCGT-AGG.
Other names: c.91310_91313delinsCCT, p.Tyr30437fs (NM_001256850.1); c.69038_69041delinsCCT, p.Tyr23013fs (NM_003319.4); c.88529_88532delinsCCT, p.Tyr29510fs (NM_133378.4); c.69413_69416delinsCCT, p.Tyr23138fs (NM_133432.3); c.69614_69617delinsCCT, p.Tyr23205fs (NM_133437.4); c.69038_69041delACGAinsCCT (NM_003319.4); short protein forms Y23138fs, Y29510fs, Y30437fs, Y23013fs, Y23205fs, Y32078fs.
Identifiers: ClinVar variation 466673 (VCV000466673.8), dbSNP rs1553518529, ClinGen allele CA658657129.